The following is an entry in ClinVar:

ClinVar aggregate classification (germline): Uncertain significance (1 of 4 stars; one submission).

Submission:

Labcorp Genetics (formerly Invitae), Labcorp
Classification: Uncertain significance. Last evaluated: 2025-11-09. Review status: criteria provided, single submitter. Criteria: Invitae Variant Classification Sherloc (09022015). Collection method: clinical testing. Allele origin: germline.
Comment: This sequence change replaces alanine, which is neutral and non-polar, with proline, which is neutral and non-polar, at codon 631 of the COMP protein (p.Ala631Pro). This variant is not present in population databases (gnomAD no frequency). This variant has not been reported in the literature in individuals affected with COMP-related conditions. Invitae Evidence Modeling of protein sequence and biophysical properties (such as structural, functional, and spatial information, amino acid conservation, physicochemical variation, residue mobility, and thermodynamic stability) indicates that this missense variant is expected to disrupt COMP protein function with a positive predictive value of 80%. In summary, the available evidence is currently insufficient to determine the role of this variant in disease. Therefore, it has been classified as a Variant of Uncertain Significance.

NM_000095.3(COMP):c.1891G>C (p.Ala631Pro)

Gene: COMP (cartilage oligomeric matrix protein; minus strand). Cytogenetic location: 19p13.11.
Variant type: single nucleotide variant.
Coding change: c.1891G>C on transcript NM_000095.3 (MANE Select); coding-DNA position 1891, G replaced by C.
Protein change: p.Ala631Pro; replaces alanine 631 with proline.
Molecular consequence: missense variant.
Genome position (GRCh38, 1-based): chr19:18,784,919, C>G on the plus strand (G>C on the coding strand, the complement: COMP is on the minus strand). VCF-style: chr19-18784919-C-G. GRCh37 (hg19) VCF-style: chr19-18895729-C-G.
Other names: short protein forms A631P.
Identifiers: ClinVar variation 4722556 (VCV004722556.1).